The following is an entry in ClinVar:

ClinVar aggregate classification (germline): Pathogenic (1 of 4 stars; one submission).

Submission:

Labcorp Genetics (formerly Invitae), Labcorp
Classification: Pathogenic. Last evaluated: 2023-06-06. Review status: criteria provided, single submitter. Criteria: Invitae Variant Classification Sherloc (09022015). Collection method: clinical testing. Allele origin: unknown.
Comment: For these reasons, this variant has been classified as Pathogenic. This variant has not been reported in the literature in individuals affected with TULP1-related conditions. This variant is a gross deletion of the genomic region encompassing exon(s) 11 of the TULP1 gene. This deletion is out-of-frame, and is expected to create a premature termination codon and result in an absent or disrupted protein product. Loss-of-function variants in TULP1 are known to be pathogenic (PMID: 8606774, 10549638, 15024725, 18055821).

Literature cited by the submitters: PubMed 8606774; PubMed 10549638; PubMed 15024725; PubMed 18055821.

NC_000006.11:g.(?_35473498)_(35473650_?)del

Gene: TULP1 (TUB like protein 1; minus strand). Cytogenetic location: 6p21.31.
Variant type: Deletion.
Identifiers: ClinVar variation 3246168 (VCV003246168.1).